The following is an entry in ClinVar:

ClinVar aggregate classification (germline): Uncertain significance. Review status: criteria provided, multiple submitters, no conflicts (2 of 4 stars). 2 submissions from 2 submitters: Uncertain significance (2). Last evaluated 2024-01-03.

Submissions (2):

Labcorp Genetics (formerly Invitae), Labcorp
Classification: Uncertain significance. Last evaluated: 2024-01-03. Review status: criteria provided, single submitter. Criteria: Invitae Variant Classification Sherloc (09022015). Collection method: clinical testing. Allele origin: germline.
Comment: This variant, c.171_173del, results in the deletion of 1 amino acid(s) of the COL11A1 protein (p.Thr58del), but otherwise preserves the integrity of the reading frame. This variant is not present in population databases (gnomAD no frequency). This variant has not been reported in the literature in individuals affected with COL11A1-related conditions. ClinVar contains an entry for this variant (Variation ID: 452165). Experimental studies and prediction algorithms are not available or were not evaluated, and the functional significance of this variant is currently unknown. In summary, the available evidence is currently insufficient to determine the role of this variant in disease. Therefore, it has been classified as a Variant of Uncertain Significance.

GeneDx
Classification: Uncertain significance. Last evaluated: 2021-02-12. Review status: criteria provided, single submitter. Criteria: GeneDx Variant Classification Process June 2021. Collection method: clinical testing. Allele origin: germline. Affected: yes.
Comment: Has not been previously published as pathogenic or benign to our knowledge; Not observed in large population cohorts (Lek et al., 2016); In-frame deletion of one amino acid in a non-repeat region; In silico analysis supports a deleterious effect on protein structure/function

NM_001854.4(COL11A1):c.168AAC[1] (p.Thr58del)

Gene: COL11A1 (collagen type XI alpha 1 chain; minus strand). Cytogenetic location: 1p21.1.
Variant type: Microsatellite.
Coding change: c.168AAC[1] on transcript NM_001854.4 (MANE Select); one copy of the 3-base unit AAC starting at c.168; the reference has two copies in a row; one copy, 3 bases deleted.
Protein change: p.Thr58del; deletes threonine 58.
Molecular consequence: inframe deletion. On other transcripts: non-coding transcript variant (1).
Genome position (GRCh38, 1-based): chr1:103,082,906-103,082,908, GTT deleted on the plus strand (AAC on the coding strand, the reverse complement: COL11A1 is on the minus strand); deleting any 3 consecutive bases within chr1:103,082,906-103,082,911 gives the same sequence; the position shown is the placement nearest the transcript's 3' end. VCF-style (leftmost placement, unchanged base first): chr1-103082905-CGTT-C. GRCh37 (hg19) VCF-style: chr1-103548461-CGTT-C.
Other names: c.168AAC[1], p.Thr58del (NM_001190709.2, NM_080629.3, NM_080630.4); c.171_173delAAC (NM_001854.3); short protein forms T58del.
Identifiers: ClinVar variation 452165 (VCV000452165.6), dbSNP rs1553253791, ClinGen allele CA658656950.